The following is an entry in ClinVar:

NM_006432.5(NPC2):c.343G>A (p.Val115Met)

Gene: NPC2 (NPC intracellular cholesterol transporter 2; minus strand). Cytogenetic location: 14q24.3.
Variant type: single nucleotide variant.
Coding change: c.343G>A on transcript NM_006432.5 (MANE Select); coding-DNA position 343, G replaced by A.
Protein change: p.Val115Met; replaces valine 115 with methionine.
Molecular consequence: missense variant.
Genome position (GRCh38, 1-based): chr14:74,484,435, C>T on the plus strand (G>A on the coding strand, the complement: NPC2 is on the minus strand). VCF-style: chr14-74484435-C-T. GRCh37 (hg19) VCF-style: chr14-74951138-C-T.
Other names: c.343G>A, p.Val115Met (NM_001363688.1, NM_001375440.1); short protein forms V115M.
Identifiers: ClinVar variation 4995815 (VCV004995815.1).

ClinVar aggregate classification (germline): Uncertain significance (1 of 4 stars; one submission).

Conditions:
NPC2-related disorder. Also called: NPC2-related condition.

gnomAD v4.1: 2 of 1,614,152 alleles (0.00012%); highest among the groups gnomAD compares: Non-Finnish European, 0.00017%; no homozygotes.

Submission:

PreventionGenetics, part of Exact Sciences
Classification: Uncertain significance for NPC2-related condition. Last evaluated: 2026-03-13. Review status: criteria provided, single submitter. Criteria: ACMG Guidelines, 2015. Collection method: clinical testing. Allele origin: germline.
Comment: The NPC2 c.343G>A variant is predicted to result in the amino acid substitution p.Val115Met. To our knowledge, this variant has not been reported in the literature or in a large population database (gnomAD), indicating this variant is rare. At this time, the clinical significance of this variant is uncertain due to the absence of conclusive functional and genetic evidence.